The following is an entry in ClinVar:

ClinVar aggregate classification (germline): Likely benign. Review status: criteria provided, multiple submitters, no conflicts (2 of 4 stars). 4 submissions from 4 submitters: Likely benign (4). Last evaluated 2026-06-05.

Conditions:
Pityriasis rubra pilaris (PRP). Also called: Pityriasis rubra pilaris--familial type. Identifiers: Orphanet 2897, MedGen C0032027, MONDO:0100017, OMIM 173200, MONDO:0008251.
Psoriasis 2. Identifiers: MedGen C1864497, MONDO:0011269, OMIM 602723.
CARD14-related disorder. Also called: CARD14-related condition.
Autoinflammatory syndrome. Identifiers: Orphanet 93665, MedGen C3890737, MONDO:0019751.

Allele frequency attached by ClinVar (database versions not stated): gnomAD 0.00011 and 0.00012; TOPMed 0.00012; gnomAD exomes 0.00018; ExAC 0.00024; 1000 Genomes Project 30x 0.00031; 1000 Genomes Project 0.00040.
gnomAD v4.1: 173 of 1,586,314 alleles (0.011%); highest among the groups gnomAD compares: Non-Finnish European, 0.0094%; no homozygotes.

Submissions (4):

PreventionGenetics, part of Exact Sciences
Classification: Likely benign for CARD14-related condition. Last evaluated: 2026-06-05. Review status: criteria provided, single submitter. Criteria: ACMG Guidelines, 2015. Collection method: clinical testing. Allele origin: germline.
Comment: This variant is classified as likely benign based on ACMG/AMP sequence variant interpretation guidelines (Richards et al. 2015 PMID: 25741868, with internal and published modifications).

Labcorp Genetics (formerly Invitae), Labcorp
Classification: Likely benign for Pityriasis rubra pilaris; Psoriasis 2. Last evaluated: 2026-01-12. Review status: criteria provided, single submitter. Criteria: Invitae Variant Classification Sherloc (09022015). Collection method: clinical testing. Allele origin: germline.

Blueprint Genetics
Classification: Likely benign. Last evaluated: 2024-02-21. Review status: criteria provided, single submitter. Criteria: ACMG Guidelines, 2015. Collection method: clinical testing. Allele origin: germline.

Genome Diagnostics Laboratory, The Hospital for Sick Children
Classification: Likely benign for Autoinflammatory syndrome. Last evaluated: 2021-06-23. Review status: criteria provided, single submitter. Criteria: ACMG Guidelines, 2015. Collection method: clinical testing. Allele origin: germline. Affected: yes.

NM_001366385.1(CARD14):c.35C>T (p.Thr12Met)

Gene: CARD14 (caspase recruitment domain family member 14; plus strand). Cytogenetic location: 17q25.3.
Variant type: single nucleotide variant.
Coding change: c.35C>T on transcript NM_001366385.1 (MANE Select); coding-DNA position 35, C replaced by T.
Protein change: p.Thr12Met; replaces threonine 12 with methionine.
Molecular consequence: missense variant. On other transcripts: non-coding transcript variant (1).
Genome position (GRCh38, 1-based): chr17:80,181,473, C>T. VCF-style: chr17-80181473-C-T. GRCh37 (hg19) VCF-style: chr17-78155272-C-T.
Other names: c.35C>T, p.Thr12Met (NM_024110.4, NM_001257970.1); short protein forms T12M.
Identifiers: ClinVar variation 662047 (VCV000662047.14), dbSNP rs569889639, ClinGen allele CA8816324.